The following is an entry in ClinVar:

NM_001379286.1(ZNF423):c.1630A>G (p.Ile544Val)

Gene: ZNF423 (zinc finger protein 423; minus strand). Cytogenetic location: 16q12.1.
Variant type: single nucleotide variant.
Coding change: c.1630A>G on transcript NM_001379286.1 (MANE Select); coding-DNA position 1630, A replaced by G.
Protein change: p.Ile544Val; replaces isoleucine 544 with valine.
Molecular consequence: missense variant.
Genome position (GRCh38, 1-based): chr16:49,637,546, T>C on the plus strand (A>G on the coding strand, the complement: ZNF423 is on the minus strand). VCF-style: chr16-49637546-T-C. GRCh37 (hg19) VCF-style: chr16-49671457-T-C.
Other names: c.1426A>G, p.Ile476Val (NM_001271620.2); c.1255A>G, p.Ile419Val (NM_001330533.2); c.1606A>G, p.Ile536Val (NM_015069.5); c.1606A>G (NM_015069.2); short protein forms I544V, I419V, I476V, I536V.
Identifiers: ClinVar variation 1363231 (VCV001363231.7), dbSNP rs1972779200, ClinGen allele CA395847187.

ClinVar aggregate classification (germline): Uncertain significance. Review status: criteria provided, multiple submitters, no conflicts (2 of 4 stars). 2 submissions from 2 submitters: Uncertain significance (2). Last evaluated 2024-10-28.

Conditions:
Nephronophthisis 14 (NPHP14). Identifiers: Orphanet 2318, MedGen C3539071, MONDO:0013916, OMIM 614844.

Allele frequency attached by ClinVar (database versions not stated): gnomAD exomes below 0.00001.
gnomAD v4.1: 6 of 1,613,910 alleles (0.00037%); highest among the groups gnomAD compares: Non-Finnish European, 0.00051%; no homozygotes.

Submissions (2):

Ambry Genetics
Classification: Uncertain significance. Last evaluated: 2024-10-28. Review status: criteria provided, single submitter. Criteria: Ambry Variant Classification Scheme 2023. Collection method: clinical testing. Allele origin: germline.

Labcorp Genetics (formerly Invitae), Labcorp
Classification: Uncertain significance for Nephronophthisis 14. Last evaluated: 2021-06-22. Review status: criteria provided, single submitter. Criteria: Invitae Variant Classification Sherloc (09022015). Collection method: clinical testing. Allele origin: germline.
Comment: In summary, the available evidence is currently insufficient to determine the role of this variant in disease. Therefore, it has been classified as a Variant of Uncertain Significance. This sequence change replaces isoleucine with valine at codon 536 of the ZNF423 protein (p.Ile536Val). The isoleucine residue is highly conserved and there is a small physicochemical difference between isoleucine and valine. This variant is not present in population databases (ExAC no frequency). This variant has not been reported in the literature in individuals affected with ZNF423-related conditions. Algorithms developed to predict the effect of missense changes on protein structure and function are either unavailable or do not agree on the potential impact of this missense change (SIFT: "Deleterious"; PolyPhen-2: "Benign"; Align-GVGD: "Class C0").